The following is an entry in ClinVar:

NM_000548.5(TSC2):c.5240_5242dup (p.Ile1747dup)

Gene: TSC2 (TSC complex subunit 2; plus strand). Cytogenetic location: 16p13.3.
Variant type: Duplication.
Coding change: c.5240_5242dup on transcript NM_000548.5 (MANE Select); coding-DNA positions 5240 to 5242, 3 bases duplicated (TCA; older notation c.5240_5242dupTCA).
Protein change: p.Ile1747dup; duplicates isoleucine 1747.
Molecular consequence: inframe insertion.
Genome position (GRCh38, 1-based): chr16:2,088,306-2,088,308, TCA duplicated; duplicating any 3 consecutive bases within chr16:2,088,304-2,088,308 gives the same sequence; the c. name uses the placement nearest the transcript's 3' end. VCF-style (leftmost placement, unchanged base first): chr16-2088303-A-ACAT. GRCh37 (hg19) VCF-style: chr16-2138304-A-ACAT.
Other names: c.5240_5242dupTCA (NM_000548.3); c.5039_5041dup, p.Ile1680dup (NM_001077183.3); c.5171_5173dup, p.Ile1724dup (NM_001114382.3); c.4931_4933dup, p.Ile1644dup (NM_001318827.2); c.4895_4897dup, p.Ile1632dup (NM_001318829.2); c.4508_4510dup, p.Ile1503dup (NM_001318831.2); c.5072_5074dup, p.Ile1691dup (NM_001318832.2); c.5042_5044dup, p.Ile1681dup (NM_001363528.2); and 3 more.
Identifiers: ClinVar variation 468151 (VCV000468151.8), dbSNP rs1555440757, ClinGen allele CA658656658.

ClinVar aggregate classification (germline): Uncertain significance (1 of 4 stars; one submission).

Conditions:
Tuberous sclerosis 2 (TSC2). Identifiers: Orphanet 805, MedGen C1860707, MONDO:0013199, OMIM 613254.

Submission:

Labcorp Genetics (formerly Invitae), Labcorp
Classification: Uncertain significance for Tuberous sclerosis 2. Last evaluated: 2017-03-11. Review status: criteria provided, single submitter. Criteria: Invitae Variant Classification Sherloc (09022015). Collection method: clinical testing. Allele origin: germline.
Comment: In summary, this is a novel in-frame duplication with uncertain impact on protein function. It has been classified as a Variant of Uncertain Significance. Experimental studies and prediction algorithms are not available for this variant, and the functional significance of the duplicated amino acid is currently unknown. This variant is not present in population databases (ExAC no frequency) and has not been reported in the literature in individuals with a TSC2-related disease. This sequence change inserts 3 nucleotides in exon 41 of the TSC2 mRNA (c.5240_5242dupTCA). This leads to the insertion of 1 amino acid residue in the TSC2 protein (p.Ile1747dup) but otherwise preserves the integrity of the reading frame.